The following is an entry in ClinVar:

ClinVar aggregate classification (germline): Likely benign (1 of 4 stars; one submission).

Allele frequency attached by ClinVar (database versions not stated): TOPMed 0.00006; gnomAD 0.00007; gnomAD exomes 0.00010; ExAC 0.00022.
gnomAD v4.1: 165 of 1,613,456 alleles (0.01%); highest among the groups gnomAD compares: Middle Eastern, 0.12%; 6 homozygotes.

Submission:

CeGaT Center for Human Genetics Tuebingen
Classification: Likely benign. Last evaluated: 2022-10-01. Review status: criteria provided, single submitter. Criteria: CeGaT Center For Human Genetics Tuebingen Variant Classification Criteria Version 2. Collection method: clinical testing. Allele origin: germline. Affected: yes. Observed: 1 variant allele.
Comment: DENND3: BP4, BP7

NM_001352890.3(DENND3):c.1263G>A (p.Lys421=)

Gene: DENND3 (DENN domain containing 3; plus strand). Cytogenetic location: 8q24.3.
Variant type: single nucleotide variant.
Coding change: c.1263G>A on transcript NM_001352890.3 (MANE Select); coding-DNA position 1263, G replaced by A.
Protein change: p.Lys421=; no amino-acid change (lysine 421 retained).
Molecular consequence: synonymous variant. On other transcripts: non-coding transcript variant (1).
Genome position (GRCh38, 1-based): chr8:141,160,698, G>A. VCF-style: chr8-141160698-G-A. GRCh37 (hg19) VCF-style: chr8-142170797-G-A.
Other names: c.1263G>A, p.Lys421= (NM_001362798.2); c.1062G>A, p.Lys354= (NM_014957.5).
Identifiers: ClinVar variation 2658871 (VCV002658871.24), dbSNP rs556710877, ClinGen allele CA4896570.
Genomic context (GRCh38, chr8:141,160,698, plus strand): 5'-GAGCCTCCAGCTCCACCATGAGCTGCACGCCGCCCACCTCCTCTCCAGCACAGACCTGAA[G>A]GAGGGCCGAGCCCACCGGCGGTCCTGGCAGCAGAAACTCAACTGCCAGATACAGCAGACC-3'
Protein context (NP_001339819.2, residues 411-431): AAHLLSSTDL[Lys421=]EGRAHRRSWQ